The following is an entry in ClinVar:

ClinVar aggregate classification (germline): Uncertain significance. Review status: criteria provided, multiple submitters, no conflicts (2 of 4 stars). 2 submissions from 2 submitters: Uncertain significance (2). Last evaluated 2025-07-28.

Conditions:
Gnathodiaphyseal dysplasia (GDD). Also called: GNATHODIAPHYSEAL SCLEROSIS; OSTEOGENESIS IMPERFECTA WITH UNUSUAL SKELETAL LESIONS. Identifiers: Orphanet 53697, MedGen C1833736, MONDO:0008151, OMIM 166260.
Autosomal recessive limb-girdle muscular dystrophy type 2L (LGMDR12). Also called: Limb-girdle muscular dystrophy, type 2L; Limb-Girdle Muscular Dystrophy R12 Anoctamin-5-Related (LGMD-R12); MUSCULAR DYSTROPHY, LIMB-GIRDLE, AUTOSOMAL RECESSIVE 12. Identifiers: Orphanet 206549, MedGen C1969785, MONDO:0012652, OMIM 611307.
Inborn genetic diseases. Identifiers: MedGen C0950123, MeSH D030342.

Allele frequency attached by ClinVar (database versions not stated): ExAC 0.00002; TOPMed 0.00002; gnomAD 0.00003.

Submissions (2):

Labcorp Genetics (formerly Invitae), Labcorp
Classification: Uncertain significance for Autosomal recessive limb-girdle muscular dystrophy type 2L; Gnathodiaphyseal dysplasia. Last evaluated: 2025-07-28. Review status: criteria provided, single submitter. Criteria: Invitae Variant Classification Sherloc (09022015). Collection method: clinical testing. Allele origin: germline.
Comment: This sequence change replaces arginine, which is basic and polar, with glutamine, which is neutral and polar, at codon 74 of the ANO5 protein (p.Arg74Gln). This variant is present in population databases (rs757733592, gnomAD 0.007%). This variant has not been reported in the literature in individuals affected with ANO5-related conditions. ClinVar contains an entry for this variant (Variation ID: 2540107). Invitae Evidence Modeling of protein sequence and biophysical properties (such as structural, functional, and spatial information, amino acid conservation, physicochemical variation, residue mobility, and thermodynamic stability) has been performed for this missense variant. However, the output from this modeling did not meet the statistical confidence thresholds required to predict the impact of this variant on ANO5 protein function. In summary, the available evidence is currently insufficient to determine the role of this variant in disease. Therefore, it has been classified as a Variant of Uncertain Significance.

Ambry Genetics
Classification: Uncertain significance for Inborn genetic diseases. Last evaluated: 2023-04-25. Review status: criteria provided, single submitter. Criteria: Ambry Variant Classification Scheme 2023. Collection method: clinical testing. Allele origin: germline.

NM_213599.3(ANO5):c.221G>A (p.Arg74Gln)

Gene: ANO5 (anoctamin 5; plus strand). Cytogenetic location: 11p14.3.
Variant type: single nucleotide variant.
Coding change: c.221G>A on transcript NM_213599.3 (MANE Select); coding-DNA position 221, G replaced by A.
Protein change: p.Arg74Gln; replaces arginine 74 with glutamine.
Molecular consequence: missense variant.
Genome position (GRCh38, 1-based): chr11:22,221,137, G>A. VCF-style: chr11-22221137-G-A. GRCh37 (hg19) VCF-style: chr11-22242683-G-A.
Other names: c.218G>A, p.Arg73Gln (NM_001142649.2); c.179G>A, p.Arg60Gln (NM_001410963.1); c.176G>A, p.Arg59Gln (NM_001410964.1); short protein forms R59Q, R74Q, R73Q, R60Q.
Identifiers: ClinVar variation 2540107 (VCV002540107.3), dbSNP rs757733592, ClinGen allele CA5922841.
Genomic context (GRCh38, chr11:22,221,137, plus strand): 5'-GTCATTTATGTCTCCTGCAGTTTCAAAAAAATCAGCAAAGCAAAGATTCTATCTTCTTCC[G>A]AGATGGGATTAGGCAAATTGATTTTGTGCTTTCCTACGTTGATGATGTAAAGAAAGACGC-3'
Protein context (NP_998764.1, residues 64-84): NQQSKDSIFF[Arg74Gln]DGIRQIDFVL